The following is an entry in ClinVar:

ClinVar aggregate classification (germline): Uncertain significance. Review status: criteria provided, multiple submitters, no conflicts (2 of 4 stars). 2 submissions from 2 submitters: Uncertain significance (2). Last evaluated 2022-03-26.

Conditions:
Spinocerebellar ataxia type 34 (SCA34). Identifiers: Orphanet 1955, MedGen C1851481, MONDO:0007574, OMIM 133190.
Ichthyosis, spastic quadriplegia, and impaired intellectual development. Also called: Congenital ichthyosis-intellectual disability-spastic quadriplegia syndrome. Identifiers: Orphanet 352333, MedGen C3280856, MONDO:0013760, OMIM 614457.
Stargardt disease 3. Also called: MACULAR DYSTROPHY WITH FLECKS, TYPE 3; STARGARDT-LIKE MACULAR DYSTROPHY, AUTOSOMAL DOMINANT. Identifiers: Orphanet 827, MedGen C1838644, MONDO:0010819, OMIM 600110.

Submissions (2):

Labcorp Genetics (formerly Invitae), Labcorp
Classification: Uncertain significance. Last evaluated: 2022-03-26. Review status: criteria provided, single submitter. Criteria: Invitae Variant Classification Sherloc (09022015). Collection method: clinical testing. Allele origin: germline.
Comment: In summary, the available evidence is currently insufficient to determine the role of this variant in disease. Therefore, it has been classified as a Variant of Uncertain Significance. Algorithms developed to predict the effect of missense changes on protein structure and function are either unavailable or do not agree on the potential impact of this missense change (SIFT: "Deleterious"; PolyPhen-2: "Probably Damaging"; Align-GVGD: "Class C0"). ClinVar contains an entry for this variant (Variation ID: 1002929). This variant has not been reported in the literature in individuals affected with ELOVL4-related conditions. This variant is not present in population databases (gnomAD no frequency). This sequence change replaces leucine, which is neutral and non-polar, with histidine, which is basic and polar, at codon 55 of the ELOVL4 protein (p.Leu55His).

Department of Pathology and Laboratory Medicine, Sinai Health System
Classification: Uncertain significance for Spinocerebellar ataxia type 34; Stargardt disease 3; Ichthyosis, spastic quadriplegia, and impaired intellectual development. Last evaluated: 2021-07-30. Review status: criteria provided, single submitter. Criteria: ACMG Guidelines, 2015. Collection method: research. Allele origin: germline.

NM_022726.4(ELOVL4):c.164T>A (p.Leu55His)

Gene: ELOVL4 (ELOVL fatty acid elongase 4; minus strand). Cytogenetic location: 6q14.1.
Variant type: single nucleotide variant.
Coding change: c.164T>A on transcript NM_022726.4 (MANE Select); coding-DNA position 164, T replaced by A.
Protein change: p.Leu55His; replaces leucine 55 with histidine.
Molecular consequence: missense variant.
Genome position (GRCh38, 1-based): chr6:79,926,318, A>T on the plus strand (T>A on the coding strand, the complement: ELOVL4 is on the minus strand). VCF-style: chr6-79926318-A-T. GRCh37 (hg19) VCF-style: chr6-80636035-A-T.
Other names: short protein forms L55H.
Identifiers: ClinVar variation 1002929 (VCV001002929.9), dbSNP rs749173327, ClinGen allele CA364657536.
Genomic context (GRCh38, chr6:79,926,318, plus strand): 5'-ATCTGAAAAGGTTCTCGGTCCTTCATCCATTTTGGACCCAGCCACACAAACAGGAGATAA[A>T]GAGTGCTTATACTTAGTGTAGGCCAAGGAGACTGCATCAGAGGCCAATTTTCCACACGCT-3'
Protein context (NP_073563.1, residues 45-65): SPWPTLSIST[Leu55His]YLLFVWLGPK